The following is an entry in ClinVar:

ClinVar aggregate classification (germline): Uncertain significance. Review status: criteria provided, multiple submitters, no conflicts (2 of 4 stars). 2 submissions from 2 submitters: Uncertain significance (2). Last evaluated 2026-01-19.

Conditions:
Inborn genetic diseases. Identifiers: MedGen C0950123, MeSH D030342.

Allele frequency attached by ClinVar (database versions not stated): gnomAD exomes below 0.00001.

Submissions (2):

Labcorp Genetics (formerly Invitae), Labcorp
Classification: Uncertain significance. Last evaluated: 2026-01-19. Review status: criteria provided, single submitter. Criteria: Invitae Variant Classification Sherloc (09022015). Collection method: clinical testing. Allele origin: germline.
Comment: This sequence change replaces aspartic acid, which is acidic and polar, with glycine, which is neutral and non-polar, at codon 209 of the KIF2A protein (p.Asp209Gly). This variant is not present in population databases (gnomAD no frequency). This variant has not been reported in the literature in individuals affected with KIF2A-related conditions. ClinVar contains an entry for this variant (Variation ID: 1412847). An algorithm developed to predict the effect of missense changes on protein structure and function (PolyPhen-2) suggests that this variant is likely to be disruptive. Algorithms developed to predict the effect of sequence changes on RNA splicing suggest that this variant may disrupt the consensus splice site. In summary, the available evidence is currently insufficient to determine the role of this variant in disease. Therefore, it has been classified as a Variant of Uncertain Significance.

Ambry Genetics
Classification: Uncertain significance for Inborn genetic diseases. Last evaluated: 2025-04-13. Review status: criteria provided, single submitter. Criteria: Ambry Variant Classification Scheme 2023. Collection method: clinical testing. Allele origin: germline.

NM_001098511.3(KIF2A):c.626A>G (p.Asp209Gly)

Gene: KIF2A (kinesin family member 2A; plus strand). Cytogenetic location: 5q12.1.
Variant type: single nucleotide variant.
Coding change: c.626A>G on transcript NM_001098511.3 (MANE Select); coding-DNA position 626, A replaced by G.
Protein change: p.Asp209Gly; replaces aspartic acid 209 with glycine.
Molecular consequence: missense variant.
Genome position (GRCh38, 1-based): chr5:62,355,226, A>G. VCF-style: chr5-62355226-A-G. GRCh37 (hg19) VCF-style: chr5-61651053-A-G.
Other names: c.626A>G (NM_001098511.2); c.545A>G, p.Asp182Gly (NM_001243952.2); c.569A>G, p.Asp190Gly (NM_001243953.2); c.626A>G, p.Asp209Gly (NM_004520.5); short protein forms D182G, D190G, D209G.
Identifiers: ClinVar variation 1412847 (VCV001412847.7), dbSNP rs1561269774, ClinGen allele CA359949490.